The following is an entry in ClinVar:

NM_139027.6(ADAMTS13):c.872G>C (p.Gly291Ala)

Gene: ADAMTS13 (ADAM metallopeptidase with thrombospondin type 1 motif 13; plus strand). Cytogenetic location: 9q34.2.
Variant type: single nucleotide variant.
Coding change: c.872G>C on transcript NM_139027.6 (MANE Select); coding-DNA position 872, G replaced by C.
Protein change: p.Gly291Ala; replaces glycine 291 with alanine.
Molecular consequence: missense variant. On other transcripts: intron variant (1).
Genome position (GRCh38, 1-based): chr9:133,429,986, G>C. VCF-style: chr9-133429986-G-C. GRCh37 (hg19) VCF-style: chr9-136295106-G-C.
Other names: p.Gly291Ala; c.872G>C, p.Gly291Ala (NM_139025.5); c.825-46G>C (NM_139026.6); short protein forms G291A.
Identifiers: ClinVar variation 2395823 (VCV002395823.4), dbSNP rs782379766, ClinGen allele CA200924736.

ClinVar aggregate classification (germline): Uncertain significance. Review status: criteria provided, multiple submitters, no conflicts (2 of 4 stars). 2 submissions from 2 submitters: Uncertain significance (2). Last evaluated 2025-10-18.

Conditions:
Inborn genetic diseases. Identifiers: MedGen C0950123, MeSH D030342.

Allele frequency attached by ClinVar (database versions not stated): gnomAD exomes 0.00007; gnomAD 0.00005; TOPMed 0.00004.
gnomAD v4.1: 97 of 1,554,368 alleles (0.0062%); highest among the groups gnomAD compares: Non-Finnish European, 0.0083%; no homozygotes.

Submissions (2):

Ambry Genetics
Classification: Uncertain significance for Inborn genetic diseases. Last evaluated: 2025-10-18. Review status: criteria provided, single submitter. Criteria: Ambry Variant Classification Scheme 2023. Collection method: clinical testing. Allele origin: germline.

Mayo Clinic Laboratories, Mayo Clinic
Classification: Uncertain significance. Last evaluated: 2024-03-14. Review status: criteria provided, single submitter. Criteria: ACMG Guidelines, 2015. Collection method: clinical testing. Allele origin: germline. Observed: 2 variant alleles.
Comment: BP4, PM1_supporting, PM2_moderate